The following is an entry in ClinVar:

ClinVar aggregate classification (germline): Uncertain significance (1 of 4 stars; one submission).

Allele frequency attached by ClinVar (database versions not stated): gnomAD exomes below 0.00001.
gnomAD v4.1: 1 of 1,604,260 alleles (0.000062%); highest among the groups gnomAD compares: Non-Finnish European, 0.000085%; no homozygotes.

Submission:

Mayo Clinic Laboratories, Mayo Clinic
Classification: Uncertain significance. Last evaluated: 2022-07-25. Review status: criteria provided, single submitter. Criteria: ACMG Guidelines, 2015. Collection method: clinical testing. Allele origin: germline. Observed: 1 variant allele.
Comment: PM2_supporting

NM_001375834.1(WIPF1):c.1130-20A>C

Gene: WIPF1 (WAS/WASL interacting protein family member 1; minus strand). Cytogenetic location: 2q31.1.
Variant type: single nucleotide variant.
Coding change: c.1130-20A>C on transcript NM_001375834.1 (MANE Select); 20 bases into the intron before coding-DNA position 1130, A replaced by C.
Molecular consequence: intron variant.
Genome position (GRCh38, 1-based): chr2:174,568,093, T>G on the plus strand (A>C on the coding strand, the complement: WIPF1 is on the minus strand). VCF-style: chr2-174568093-T-G. GRCh37 (hg19) VCF-style: chr2-175432821-T-G.
Other names: c.1130-20A>C (NM_001375835.1, NM_001077269.1, NM_003387.5 and 2 more transcripts); c.752-20A>C (NM_001375839.1).
Identifiers: ClinVar variation 2682756 (VCV002682756.1), dbSNP rs2468458293, ClinGen allele CA2662014964.
Genomic context (GRCh38, chr2:174,568,093, plus strand): 5'-GCTGCCGTTTCTGCTTACTGGAGGAGGTGGTGGGAGGGGGCCTGGAGCAAAAAAAGACAC[T>G]TAGTGCAGAACCTTACATCCACATTCCATTACCGTGGTCACCATTGGTGTACAGCTGATG-3'